The following is an entry in ClinVar:

ClinVar aggregate classification (germline): Uncertain significance (1 of 4 stars; one submission).

Allele frequency attached by ClinVar (database versions not stated): gnomAD 0.00001; gnomAD exomes 0.00001; TOPMed 0.00001.
gnomAD v4.1: 11 of 1,610,436 alleles (0.00068%); highest among the groups gnomAD compares: Non-Finnish European, 0.00093%; no homozygotes.

Submission:

Labcorp Genetics (formerly Invitae), Labcorp
Classification: Uncertain significance. Last evaluated: 2022-04-09. Review status: criteria provided, single submitter. Criteria: Invitae Variant Classification Sherloc (09022015). Collection method: clinical testing. Allele origin: germline.
Comment: In summary, the available evidence is currently insufficient to determine the role of this variant in disease. Therefore, it has been classified as a Variant of Uncertain Significance. This sequence change replaces valine, which is neutral and non-polar, with leucine, which is neutral and non-polar, at codon 2404 of the HMCN1 protein (p.Val2404Leu). This variant is present in population databases (rs761246836, gnomAD 0.0009%). This variant has not been reported in the literature in individuals affected with HMCN1-related conditions. Algorithms developed to predict the effect of missense changes on protein structure and function (SIFT, PolyPhen-2, Align-GVGD) all suggest that this variant is likely to be tolerated.

NM_031935.3(HMCN1):c.7210G>C (p.Val2404Leu)

Gene: HMCN1 (hemicentin 1; plus strand). Cytogenetic location: 1q31.1.
Variant type: single nucleotide variant.
Coding change: c.7210G>C on transcript NM_031935.3 (MANE Select); coding-DNA position 7210, G replaced by C.
Protein change: p.Val2404Leu; replaces valine 2404 with leucine.
Molecular consequence: missense variant.
Genome position (GRCh38, 1-based): chr1:186,057,299, G>C. VCF-style: chr1-186057299-G-C. GRCh37 (hg19) VCF-style: chr1-186026431-G-C.
Other names: short protein forms V2404L.
Identifiers: ClinVar variation 2106254 (VCV002106254.4), dbSNP rs761246836, ClinGen allele CA33453697.